The following is an entry in ClinVar:

ClinVar aggregate classification (germline): Uncertain significance (1 of 4 stars; one submission).

Conditions:
Inborn genetic diseases. Identifiers: MedGen C0950123, MeSH D030342.

Submission:

Ambry Genetics
Classification: Uncertain significance for Inborn genetic diseases. Last evaluated: 2026-02-24. Review status: criteria provided, single submitter. Criteria: Ambry Variant Classification Scheme 2023. Collection method: clinical testing. Allele origin: germline.
Comment: The p.I1266V variant (also known as c.3796A>G), located in coding exon 14 of the FANCM gene, results from an A to G substitution at nucleotide position 3796. The isoleucine at codon 1266 is replaced by valine, an amino acid with highly similar properties. This amino acid position is conserved. In addition, this alteration is predicted to be tolerated by in silico analysis. Based on the available evidence, the clinical significance of this variant remains unclear.

NM_020937.4(FANCM):c.3796A>G (p.Ile1266Val)

Gene: FANCM (FA complementation group M; plus strand). Cytogenetic location: 14q21.2.
Variant type: single nucleotide variant.
Coding change: c.3796A>G on transcript NM_020937.4 (MANE Select); coding-DNA position 3796, A replaced by G.
Protein change: p.Ile1266Val; replaces isoleucine 1266 with valine.
Molecular consequence: missense variant.
Genome position (GRCh38, 1-based): chr14:45,176,550, A>G. VCF-style: chr14-45176550-A-G. GRCh37 (hg19) VCF-style: chr14-45645753-A-G.
Other names: c.3718A>G, p.Ile1240Val (NM_001308133.2); short protein forms I1240V, I1266V.
Identifiers: ClinVar variation 4825994 (VCV004825994.1).
Genomic context (GRCh38, chr14:45,176,550, plus strand): 5'-TTGGAACATACATCAGATAGCAATAGACCTCTAGATGATCTATATGGAAGGTATTTGGAA[A>G]TTAAGGAGATAAGTGATGCAAATTATGTTTCGAATCAAGCACTAATACCAAGAGATCATA-3'
Protein context (NP_065988.1, residues 1256-1276): LDDLYGRYLE[Ile1266Val]KEISDANYVS